The following is an entry in ClinVar:

ClinVar aggregate classification (germline): Pathogenic. Review status: criteria provided, multiple submitters, no conflicts (2 of 4 stars). 2 submissions from 2 submitters: Pathogenic (2). Last evaluated 2023-05-04.

Conditions:
Hereditary cancer-predisposing syndrome. Also called: Neoplastic Syndromes, Hereditary; Tumor predisposition; Hereditary Cancer Syndrome; Hereditary neoplastic syndrome. Identifiers: Orphanet 140162, MedGen C0027672, MeSH D009386, MONDO:0015356.
Familial adenomatous polyposis 1 (FAP1). Also called: FAMILIAL ADENOMATOUS POLYPOSIS 1, ATTENUATED; POLYPOSIS, ADENOMATOUS INTESTINAL. Identifiers: MedGen C2713442, MONDO:0021056, OMIM 175100. Disease mechanism: loss of function.

Submissions (2):

Myriad Genetics, Inc.
Classification: Pathogenic for Familial adenomatous polyposis 1. Last evaluated: 2023-05-04. Review status: criteria provided, single submitter. Criteria: Myriad Autosomal Dominant, Autosomal Recessive and X-Linked Classification Criteria (2023). Collection method: clinical testing. Allele origin: unknown.
Comment: This variant is considered pathogenic. This variant creates a frameshift predicted to result in premature protein truncation.

Ambry Genetics
Classification: Pathogenic for Hereditary cancer-predisposing syndrome. Last evaluated: 2017-01-19. Review status: criteria provided, single submitter. Criteria: Ambry Variant Classification Scheme 2023. Collection method: clinical testing. Allele origin: germline.
Comment: The c.2336dupT pathogenic mutation, located in coding exon 15 of the APC gene, results from a duplication of T at nucleotide position 2336, causing a translational frameshift with a predicted alternate stop codon (p.L779Ffs*9). This mutation has been reported in multiple patients and families affected familial adenomatous polyposis (FAP) (Vandrovcov&aacute; J et al. Hum. Mutat. 2004 Apr;23:397; Sheng JQ et al. World J. Gastroenterol. 2010 Mar;16:1522-6; Lagarde A et al. J. Med. Genet. 2010 Oct;47:721-2). Of note, this alteration is also designated as c.2336dup in published literature. In addition to the clinical data presented in the literature, this alteration is expected to result in loss of function by premature protein truncation or nonsense-mediated mRNA decay. As such, this alteration is interpreted as a disease-causing mutation.

Literature cited by the submitters: PubMed 15024739 (cited by Ambry Genetics); PubMed 20333795 (cited by Ambry Genetics); PubMed 20685668 (cited by Ambry Genetics).

NM_000038.6(APC):c.2336dup (p.Leu779fs)

Gene: APC (APC regulator of Wnt signaling pathway; plus strand). Cytogenetic location: 5q22.2.
Variant type: Duplication.
Coding change: c.2336dup on transcript NM_000038.6 (MANE Select); coding-DNA position 2336, one base duplicated (T; older notation c.2336dupT).
Protein change: p.Leu779fs; shifts the reading frame from leucine 779.
Molecular consequence: frameshift variant.
Genome position (GRCh38, 1-based): chr5:112,837,930, T duplicated; the last of 3 consecutive T bases (chr5:112,837,928-112,837,930); duplicating any one gives the same sequence. VCF-style (leftmost placement, unchanged base first): chr5-112837927-A-AT. GRCh37 (hg19) VCF-style: chr5-112173624-A-AT.
Other names: c.2336dup, p.Leu779fs (NM_001127510.3, NM_001354895.2); c.2282dup, p.Leu761fs (NM_001127511.3); c.2252dup, p.Leu751fs (NM_001354899.2); c.2213dup, p.Leu738fs (NM_001354900.2); c.2159dup, p.Leu720fs (NM_001354901.2); c.2063dup, p.Leu688fs (NM_001354902.2); c.2033dup, p.Leu678fs (NM_001354903.2); c.2390dup, p.Leu797fs (NM_001354896.2); and 6 more; short protein forms L720fs, L754fs, L761fs, L779fs, L797fs, L496fs, L653fs, L678fs.
Identifiers: ClinVar variation 482256 (VCV000482256.6), dbSNP rs1554084079, ClinGen allele CA658655974.
Genomic context (GRCh38, chr5:112,837,927, plus strand): 5'-AAGCCCTAGAAGCAGAATTAGATGCTCAGCACTTATCAGAAACTTTTGACAATATAGACA[A>AT]TTTAAGTCCCAAGGCATCTCATCGTAGTAAGCAGAGACACAAGCAAAGTCTCTATGGTGA-3'